The following is an entry in ClinVar:

ClinVar aggregate classification (germline): Uncertain significance (1 of 4 stars; one submission).

Conditions:
Marfan syndrome (MFS). Also called: MARFAN SYNDROME, TYPE I; Marfan syndrome type 1; Marfan's syndrome; Marfan syndrome, classic; FBN1-Related Marfan Syndrome. Identifiers: Orphanet 284963, Orphanet 558, MedGen C0024796, MONDO:0007947, OMIM 154700.
Familial thoracic aortic aneurysm and aortic dissection (TAAD). Also called: Thoracic aortic aneurysms and dissections. Identifiers: Orphanet 91387, MedGen C4707243, MONDO:0019625.

Submission:

Labcorp Genetics (formerly Invitae), Labcorp
Classification: Uncertain significance for Marfan syndrome; Familial thoracic aortic aneurysm and aortic dissection. Last evaluated: 2024-01-11. Review status: criteria provided, single submitter. Criteria: Invitae Variant Classification Sherloc (09022015). Collection method: clinical testing. Allele origin: germline.
Comment: This sequence change replaces proline, which is neutral and non-polar, with arginine, which is basic and polar, at codon 970 of the FBN1 protein (p.Pro970Arg). This variant is not present in population databases (gnomAD no frequency). This variant has not been reported in the literature in individuals affected with FBN1-related conditions. Advanced modeling of protein sequence and biophysical properties (such as structural, functional, and spatial information, amino acid conservation, physicochemical variation, residue mobility, and thermodynamic stability) performed at Invitae indicates that this missense variant is expected to disrupt FBN1 protein function with a positive predictive value of 80%. In summary, the available evidence is currently insufficient to determine the role of this variant in disease. Therefore, it has been classified as a Variant of Uncertain Significance.

NM_000138.5(FBN1):c.2909C>G (p.Pro970Arg)

Gene: FBN1 (fibrillin 1; minus strand). Cytogenetic location: 15q21.1.
Variant type: single nucleotide variant.
Coding change: c.2909C>G on transcript NM_000138.5 (MANE Select); coding-DNA position 2909, C replaced by G.
Protein change: p.Pro970Arg; replaces proline 970 with arginine.
Molecular consequence: missense variant.
Genome position (GRCh38, 1-based): chr15:48,490,024, G>C on the plus strand (C>G on the coding strand, the complement: FBN1 is on the minus strand). VCF-style: chr15-48490024-G-C. GRCh37 (hg19) VCF-style: chr15-48782221-G-C.
Other names: c.2909C>G, p.Pro970Arg (NM_001406716.1); short protein forms P970R.
Identifiers: ClinVar variation 2932163 (VCV002932163.3), dbSNP rs751985082, ClinGen allele CA392329844.
Genomic context (GRCh38, chr15:48,490,024, plus strand): 5'-GTACCCCAGGCTGCCCCGACGGAGCAGCAGCAGGCGTCCATGCGGTGGCGGCCAGCAATA[G>C]GCAGGGTGCACTCCTCGTCCTCGTACCTCAGGAAGCAGGTTTCCAGGCGGATATCTGTCA-3'
Protein context (NP_000129.3, residues 960-980): LRYEDEECTL[Pro970Arg]IAGRHRMDAC